The following is an entry in ClinVar:

ClinVar aggregate classification (germline): Uncertain significance. Review status: criteria provided, multiple submitters, no conflicts (2 of 4 stars). 3 submissions from 3 submitters: Uncertain significance (3). Last evaluated 2024-07-03.

Conditions:
Emery-Dreifuss muscular dystrophy 5, autosomal dominant (EDMD5). Also called: EMERY-DREIFUSS MUSCULAR DYSTROPHY 5. Identifiers: Orphanet 261, MedGen C2751805, MONDO:0013072, OMIM 612999.

Allele frequency attached by ClinVar (database versions not stated): ExAC 0.00001; gnomAD 0.00001; gnomAD exomes 0.00001; TOPMed 0.00001; 1000 Genomes Project 0.00020; 1000 Genomes Project 30x 0.00031.
gnomAD v4.1: 11 of 1,613,930 alleles (0.00068%); highest among the groups gnomAD compares: Admixed American, 0.0067%; no homozygotes.

Submissions (3):

Labcorp Genetics (formerly Invitae), Labcorp
Classification: Uncertain significance for Emery-Dreifuss muscular dystrophy 5, autosomal dominant. Last evaluated: 2024-07-03. Review status: criteria provided, single submitter. Criteria: Invitae Variant Classification Sherloc (09022015). Collection method: clinical testing. Allele origin: germline.
Comment: This sequence change replaces arginine, which is basic and polar, with glutamine, which is neutral and polar, at codon 6232 of the SYNE2 protein (p.Arg6232Gln). This variant is present in population databases (rs549549436, gnomAD 0.006%). This variant has not been reported in the literature in individuals affected with SYNE2-related conditions. ClinVar contains an entry for this variant (Variation ID: 1374743). An algorithm developed to predict the effect of missense changes on protein structure and function (PolyPhen-2) suggests that this variant is likely to be disruptive. In summary, the available evidence is currently insufficient to determine the role of this variant in disease. Therefore, it has been classified as a Variant of Uncertain Significance.

Ambry Genetics
Classification: Uncertain significance. Last evaluated: 2021-07-14. Review status: criteria provided, single submitter. Criteria: Ambry Variant Classification Scheme 2023. Collection method: clinical testing. Allele origin: germline.

Revvity Omics, Revvity
Classification: Uncertain significance for Emery-Dreifuss muscular dystrophy 5, autosomal dominant. Last evaluated: 2019-01-11. Review status: criteria provided, single submitter. Criteria: ACMG Guidelines, 2015. Collection method: clinical testing. Allele origin: germline.

NM_182914.3(SYNE2):c.18695G>A (p.Arg6232Gln)

Gene: SYNE2 (spectrin repeat containing nuclear envelope protein 2; plus strand). Cytogenetic location: 14q23.2.
Variant type: single nucleotide variant.
Coding change: c.18695G>A on transcript NM_182914.3 (MANE Select); coding-DNA position 18695, G replaced by A.
Protein change: p.Arg6232Gln; replaces arginine 6232 with glutamine.
Molecular consequence: missense variant.
Genome position (GRCh38, 1-based): chr14:64,210,096, G>A. VCF-style: chr14-64210096-G-A. GRCh37 (hg19) VCF-style: chr14-64676814-G-A.
Other names: c.18695G>A, p.Arg6232Gln (NM_015180.6); c.18695G>A (NM_182914.2); short protein forms R6232Q.
Identifiers: ClinVar variation 1374743 (VCV001374743.11), dbSNP rs549549436, ClinGen allele CA7224174.